The following is an entry in ClinVar:

ClinVar aggregate classification (germline): Conflicting classifications of pathogenicity. Review status: criteria provided, conflicting classifications (1 of 4 stars). 2 submissions from 2 submitters: Likely pathogenic (1); Uncertain significance (1). Last evaluated 2020-08-31.

Conditions:
Leber congenital amaurosis 1 (LCA1). Also called: AMAUROSIS CONGENITA OF LEBER I; RETINAL BLINDNESS, CONGENITAL; Congenital absence of the rods and cones; Leber's congenital tapetoretinal degeneration; Leber's congenital tapetoretinal dysplasia. Identifiers: Orphanet 65, MedGen C2931258, MONDO:0008764, OMIM 204000.
Cone-rod dystrophy 6 (CORD6). Also called: RETINAL CONE DYSTROPHY 2; Cone dystrophy progressive. Identifiers: Orphanet 1872, MedGen C1866293, MONDO:0011143, OMIM 601777.

Allele frequency attached by ClinVar (database versions not stated): gnomAD exomes below 0.00001.
gnomAD v4.1: 1 of 1,612,720 alleles (0.000062%); highest among the groups gnomAD compares: Non-Finnish European, 0.000085%; no homozygotes.

Submissions (2):

Labcorp Genetics (formerly Invitae), Labcorp
Classification: Uncertain significance for Leber congenital amaurosis 1; Cone-rod dystrophy 6. Last evaluated: 2020-08-31. Review status: criteria provided, single submitter. Criteria: Invitae Variant Classification Sherloc (09022015). Collection method: clinical testing. Allele origin: germline.
Comment: In summary, the available evidence is currently insufficient to determine the role of this variant in disease. Therefore, it has been classified as a Variant of Uncertain Significance. Advanced modeling of protein sequence and biophysical properties (such as structural, functional, and spatial information, amino acid conservation, physicochemical variation, residue mobility, and thermodynamic stability) performed at Invitae indicates that this missense variant is expected to disrupt GUCY2D protein function. This variant has been observed in individual(s) with Leber congenital amaurosis (PMID: 17964524). ClinVar contains an entry for this variant (Variation ID: 425122). This variant is not present in population databases (ExAC no frequency). This sequence change replaces tryptophan with arginine at codon 708 of the GUCY2D protein (p.Trp708Arg). The tryptophan residue is highly conserved and there is a moderate physicochemical difference between tryptophan and arginine.

CeGaT Center for Human Genetics Tuebingen
Classification: Likely pathogenic. Last evaluated: 2017-04-01. Review status: criteria provided, single submitter. Criteria: CeGaT Center For Human Genetics Tuebingen Variant Classification Criteria Version 2. Collection method: clinical testing. Allele origin: germline. Affected: yes. Observed: 1 variant allele.

Literature cited by the submitters: PubMed 17964524 (cited by Labcorp Genetics (formerly Invitae), Labcorp).

NM_000180.4(GUCY2D):c.2122T>C (p.Trp708Arg)

Gene: GUCY2D (guanylate cyclase 2D, retinal; plus strand). Cytogenetic location: 17p13.1.
Variant type: single nucleotide variant.
Coding change: c.2122T>C on transcript NM_000180.4 (MANE Select); coding-DNA position 2122, T replaced by C.
Protein change: p.Trp708Arg; replaces tryptophan 708 with arginine.
Molecular consequence: missense variant.
Genome position (GRCh38, 1-based): chr17:8,013,111, T>C. VCF-style: chr17-8013111-T-C. GRCh37 (hg19) VCF-style: chr17-7916429-T-C.
Other names: short protein forms W708R.
Identifiers: ClinVar variation 425122 (VCV000425122.50), dbSNP rs1064797217, ClinGen allele CA16621700.